The following is an entry in ClinVar:

ClinVar aggregate classification (germline): Likely benign (1 of 4 stars; one submission).

gnomAD v4.1: 170 of 1,389,382 alleles (0.012%); highest among the groups gnomAD compares: African/African-American, 0.2%; no homozygotes.

Submission:

CeGaT Center for Human Genetics Tuebingen
Classification: Likely benign. Last evaluated: 2025-03-01. Review status: criteria provided, single submitter. Criteria: CeGaT Center For Human Genetics Tuebingen Variant Classification Criteria Version 2. Collection method: clinical testing. Allele origin: germline. Affected: yes. Observed: 1 variant allele.
Comment: FKTN: BP4, BP7

NM_001079802.2(FKTN):c.165+33T>C

Gene: FKTN (fukutin; plus strand). Cytogenetic location: 9q31.2.
Variant type: single nucleotide variant.
Coding change: c.165+33T>C on transcript NM_001079802.2 (MANE Select); 33 bases into the intron after coding-DNA position 165, T replaced by C.
Molecular consequence: intron variant.
Genome position (GRCh38, 1-based): chr9:105,596,690, T>C. VCF-style: chr9-105596690-T-C. GRCh37 (hg19) VCF-style: chr9-108358971-T-C.
Other names: c.165+33T>C (NM_006731.2, NM_001351496.2, NM_001198963.2 and 1 more transcripts); c.-350+33T>C (NM_001351502.2, NM_001351499.2, NM_001351500.2 and 1 more transcripts); c.-3+33T>C (NM_001351497.2).
Identifiers: ClinVar variation 3778305 (VCV003778305.7).